The following is an entry in ClinVar:

NM_001039.4(SCNN1G):c.1532T>A (p.Leu511Gln)

Gene: SCNN1G (sodium channel epithelial 1 subunit gamma; plus strand). Cytogenetic location: 16p12.2.
Variant type: single nucleotide variant.
Coding change: c.1532T>A on transcript NM_001039.4 (MANE Select); coding-DNA position 1532, T replaced by A.
Protein change: p.Leu511Gln; replaces leucine 511 with glutamine.
Molecular consequence: missense variant.
Genome position (GRCh38, 1-based): chr16:23,214,750, T>A. VCF-style: chr16-23214750-T-A. GRCh37 (hg19) VCF-style: chr16-23226071-T-A.
Other names: c.1532T>A (NM_001039.3); short protein forms L511Q.
Identifiers: ClinVar variation 1185021 (VCV001185021.7), dbSNP rs113234492, ClinGen allele CA7959906.

ClinVar aggregate classification (germline): Uncertain significance. Review status: criteria provided, multiple submitters, no conflicts (2 of 4 stars). 4 submissions from 4 submitters: Uncertain significance (4). Last evaluated 2025-08-24.

Conditions:
Bronchiectasis with or without elevated sweat chloride 3 (BESC3). Identifiers: Orphanet 60033, MedGen C2751324, MONDO:0013112, OMIM 613071.
Liddle syndrome 2. Identifiers: MedGen C4748251, MONDO:0020854, OMIM 618114.
Pseudohypoaldosteronism, type IB3, autosomal recessive (PHA1B3). Identifiers: MedGen C5774256, MONDO:0859318, OMIM 620126.

Allele frequency attached by ClinVar (database versions not stated): ExAC 0.00012; gnomAD exomes 0.00015 and 0.00045; TOPMed 0.00019; ESP Exome Variant Server 0.00023; gnomAD 0.00023 and 0.00024.
gnomAD v4.1: 688 of 1,614,008 alleles (0.043%); highest among the groups gnomAD compares: Non-Finnish European, 0.056%; no homozygotes.

Submissions (4):

Labcorp Genetics (formerly Invitae), Labcorp
Classification: Uncertain significance. Last evaluated: 2025-08-24. Review status: criteria provided, single submitter. Criteria: Invitae Variant Classification Sherloc (09022015). Collection method: clinical testing. Allele origin: germline.
Comment: This sequence change replaces leucine, which is neutral and non-polar, with glutamine, which is neutral and polar, at codon 511 of the SCNN1G protein (p.Leu511Gln). This variant is present in population databases (rs113234492, gnomAD 0.03%). This variant has not been reported in the literature in individuals affected with SCNN1G-related conditions. ClinVar contains an entry for this variant (Variation ID: 1185021). Invitae Evidence Modeling of protein sequence and biophysical properties (such as structural, functional, and spatial information, amino acid conservation, physicochemical variation, residue mobility, and thermodynamic stability) indicates that this missense variant is expected to disrupt SCNN1G protein function with a positive predictive value of 80%. Experimental studies have shown that this missense change affects SCNN1G function (PMID: 23136006). In summary, the available evidence is currently insufficient to determine the role of this variant in disease. Therefore, it has been classified as a Variant of Uncertain Significance.

Fulgent Genetics
Classification: Uncertain significance for Bronchiectasis with or without elevated sweat chloride 3; Liddle syndrome 2; Pseudohypoaldosteronism, type IB3, autosomal recessive. Last evaluated: 2024-05-07. Review status: criteria provided, single submitter. Criteria: ACMG Guidelines, 2015. Collection method: clinical testing. Allele origin: germline.

GeneDx
Classification: Uncertain significance. Last evaluated: 2023-08-08. Review status: criteria provided, single submitter. Criteria: GeneDx Variant Classification Process June 2021. Collection method: clinical testing. Allele origin: germline. Affected: yes.
Comment: Published functional studies demonstrate a damaging effect via an increase in sodium ion flow, indicating a gain of function (Chen et al., 2013); In silico analysis supports that this missense variant has a deleterious effect on protein structure/function; This variant is associated with the following publications: (PMID: 24419567, 36305246, 23136006)

Johns Hopkins Genomics, Johns Hopkins University
Classification: Uncertain significance for Bronchiectasis with or without elevated sweat chloride 3. Last evaluated: 2021-07-16. Review status: criteria provided, single submitter. Criteria: ACMG Guidelines, 2015. Collection method: clinical testing. Allele origin: germline.
Comment: This SCNN1G variant (rs113234492) is rare (<0.1%) in a large population dataset (gnomAD: 45/282800 total alleles, 0.016%, no homozygotes) and has not been reported in the literature to our knowledge. Three bioinformatic tools queried predict that this substitution would be damaging, and the leucine residue at this position is strongly conserved across the vertebrate species assessed. This variant is not predicted to affect normal exon 12 splicing, although this has not been confirmed experimentally to our knowledge. Due to insufficient evidence we consider the clinical significance of c.1532T>A to be uncertain at this time.

Literature cited by the submitters: PubMed 23136006 (cited by Labcorp Genetics (formerly Invitae), Labcorp); PubMed 17560176 (cited by Johns Hopkins Genomics, Johns Hopkins University); PubMed 18507830 (cited by Johns Hopkins Genomics, Johns Hopkins University); PubMed 19017867 (cited by Johns Hopkins Genomics, Johns Hopkins University).